The following is an entry in ClinVar:

GRCh37/hg19 Xq21.33-24(chrX:93805850-118913329)x1

Genes: ACSL4 (acyl-CoA synthetase long chain family member 4; minus strand), AGTR2 (angiotensin II receptor type 2; plus strand), ALG13 (ALG13 UDP-N-acetylglucosaminyltransferase subunit; plus strand), AMMECR1 (AMMECR nuclear protein 1; minus strand), AMOT (angiomotin; minus strand) and 130 more. Cytogenetic location: Xq21.33-24.
Variant type: copy number loss.
Change: copy number 1 of chrX:93,805,850-118,913,329 (25.11 Mb, GRCh37 coordinates, 1-based), cytogenetic band Xq21.33-24.
Identifiers: ClinVar variation 1808673 (VCV001808673.1).

ClinVar aggregate classification (germline): Pathogenic (1 of 4 stars; one submission).

Submission:

Quest Diagnostics Nichols Institute San Juan Capistrano
Classification: Pathogenic. Last evaluated: 2022-05-26. Review status: criteria provided, single submitter. Criteria: ACMG/ClinGen CNV Guidelines, 2019. Collection method: clinical testing. Allele origin: unknown.
Comment: The deletion of Xq21.33q24 involves numerous protein-coding genes. Haploinsufficiency of multiple genes within this interval (PCDH19 (OMIM 300460), DCX (OMIM 300121), TIMM8A (OMIM 300356), BTK (OMIM 300300), GLA (OMIM 300644), PLP1 (OMIM 300401), COL4A5 (OMIM 303630), CHRDL1 (OMIM 300350), and UBE2A (OMIM 312180)) have been associated with various disorders. Of note, haploinsufficiency of PCDH19 had been associated with developmental and epileptic encephalopathy (DEE9; OMIM 300088) which is characterized by seizure onset in infancy and mild to severe intellectual impairment. Autistic and psychiatric features have been reported in some individuals. This disorder is mostly limited to heterozygous females. As copy number losses of this interval have been associated with a clinical phenotype, and there are no similar copy number losses of this region in the general populations of the Database of Genomic Variants, based on current medical literature and gene content, this copy number variant (CNV) is interpreted as pathogenic. Please note that, the phenotypic consequences of X chromosome aberrations in females will depend on the pattern of X chromosome inactivation, which tends to be preferential to the abnormal X sparing the normal X in an active state. Thus, preferential inactivation of the abnormal X chromosome may result in relative normalcy to mild manifestations.